The following is an entry in ClinVar:

NM_000022.4(ADA):c.871T>G (p.Ser291Ala)

Gene: ADA (adenosine deaminase; minus strand). Cytogenetic location: 20q13.12.
Variant type: single nucleotide variant.
Coding change: c.871T>G on transcript NM_000022.4 (MANE Select); coding-DNA position 871, T replaced by G.
Protein change: p.Ser291Ala; replaces serine 291 with alanine.
Molecular consequence: missense variant. On other transcripts: non-coding transcript variant (1).
Genome position (GRCh38, 1-based): chr20:44,621,122, A>C on the plus strand (T>G on the coding strand, the complement: ADA is on the minus strand). VCF-style: chr20-44621122-A-C. GRCh37 (hg19) VCF-style: chr20-43249763-A-C.
Other names: c.466T>G, p.Ser156Ala (NM_001322050.2); c.799T>G, p.Ser267Ala (NM_001322051.2); short protein forms S156A, S291A, S267A.
Identifiers: ClinVar variation 4525924 (VCV004525924.1).

ClinVar aggregate classification (germline): Uncertain significance (1 of 4 stars; one submission).

Submission:

Women's Health and Genetics/Laboratory Corporation of America, LabCorp
Classification: Uncertain significance. Last evaluated: 2025-07-14. Review status: criteria provided, single submitter. Criteria: LabCorp Variant Classification Summary - May 2015. Collection method: clinical testing. Allele origin: germline.
Comment: Variant summary: ADA c.871T>G (p.Ser291Ala) results in a conservative amino acid change in the encoded protein sequence. Algorithms developed to predict the effect of missense changes on protein structure and function are either unavailable or do not agree on the potential impact of this missense change. The variant was absent in 251496 control chromosomes. To our knowledge, no occurrence of c.871T>G in individuals affected with Severe combined immunodeficiency, autosomal recessive, T cell-negative, B cell-negative, NK cell-negative, due to adenosine deaminase deficiency and no experimental evidence demonstrating its impact on protein function have been reported. Different variants affecting the same codon have been classified as likely pathogenic/pathogenic by our lab (c.872C>T, p.Ser291Leu; c.872C>G, p.Ser291Trp), supporting the critical relevance of codon 291 to ADA protein function. No submitters have cited clinical-significance assessments for this variant to ClinVar. Based on the evidence outlined above, the variant was classified as VUS-possibly pathogenic.